The following is an entry in ClinVar:

NM_020911.2(PLXNA4):c.2082A>T (p.Arg694=)

Gene: PLXNA4 (plexin A4; minus strand). Cytogenetic location: 7q32.3.
Variant type: single nucleotide variant.
Coding change: c.2082A>T on transcript NM_020911.2 (MANE Select); coding-DNA position 2082, A replaced by T.
Protein change: p.Arg694=; no amino-acid change (arginine 694 retained).
Molecular consequence: synonymous variant.
Genome position (GRCh38, 1-based): chr7:132,223,542, T>A on the plus strand (A>T on the coding strand, the complement: PLXNA4 is on the minus strand). VCF-style: chr7-132223542-T-A. GRCh37 (hg19) VCF-style: chr7-131908301-T-A.
Other names: c.2082A>T, p.Arg694= (NM_001393897.1).
Identifiers: ClinVar variation 5001255 (VCV005001255.1).

ClinVar aggregate classification (germline): Likely benign (1 of 4 stars; one submission).

Conditions:
PLXNA4-related disorder. Also called: PLXNA4-related condition.

gnomAD v4.1: 3 of 1,613,214 alleles (0.00019%); highest among the groups gnomAD compares: Non-Finnish European, 0.00025%; no homozygotes.

Submission:

PreventionGenetics, part of Exact Sciences
Classification: Likely benign for PLXNA4-related condition. Last evaluated: 2025-06-12. Review status: criteria provided, single submitter. Criteria: ACMG Guidelines, 2015. Collection method: clinical testing. Allele origin: germline.
Comment: This variant is classified as likely benign based on ACMG/AMP sequence variant interpretation guidelines (Richards et al. 2015 PMID: 25741868, with internal and published modifications).